The following is an entry in ClinVar:

NM_001384140.1(PCDH15):c.1843C>T (p.Arg615Cys)

Gene: PCDH15 (protocadherin related 15; minus strand). Cytogenetic location: 10q21.1.
Variant type: single nucleotide variant.
Coding change: c.1843C>T on transcript NM_001384140.1 (MANE Select); coding-DNA position 1843, C replaced by T.
Protein change: p.Arg615Cys; replaces arginine 615 with cysteine.
Molecular consequence: missense variant. On other transcripts: intron variant (1).
Genome position (GRCh38, 1-based): chr10:54,132,949, G>A on the plus strand (C>T on the coding strand, the complement: PCDH15 is on the minus strand). VCF-style: chr10-54132949-G-A. GRCh37 (hg19) VCF-style: chr10-55892709-G-A.
Other names: c.1858C>T, p.Arg620Cys (NM_001142763.2, NM_001142771.2); c.1843C>T, p.Arg615Cys (NM_001142764.2, NM_001142766.2, NM_001142770.3 and 5 more transcripts); c.1732C>T, p.Arg578Cys (NM_001142767.2); c.1777C>T, p.Arg593Cys (NM_001142768.2, NM_001142773.2, NM_001354404.2); c.1879C>T, p.Arg627Cys (NM_001142769.4); c.1864C>T, p.Arg622Cys (NM_001354411.2); c.1784+20151C>T (NM_001142765.2); short protein forms R578C, R593C, R615C, R620C, R622C, R627C.
Identifiers: ClinVar variation 1209589 (VCV001209589.5), dbSNP rs139104747, ClinGen allele CA5506245.
Genomic context (GRCh38, chr10:54,132,949, plus strand): 5'-AAACAGCACCAACCCTCATGGCTTCACTAATTTCAAGGCTATACATCAGCTGTGGGAAGC[G>A]AGGAGGGCTTTGATTATTTGGTGGAAGCACTTCAATATACACAGTGCAGATGGAGTTCCT-3'
Protein context (NP_001371069.1, residues 605-625): VLPPNNQSPP[Arg615Cys]FPQLMYSLEI

ClinVar aggregate classification (germline): Uncertain significance. Review status: criteria provided, multiple submitters, no conflicts (2 of 4 stars). 3 submissions from 2 submitters: Uncertain significance (3). Last evaluated 2022-07-06.

Conditions:
Autosomal recessive nonsyndromic hearing loss 23. Identifiers: Orphanet 90636, MedGen C1836027, MONDO:0012293, OMIM 609533.
Usher syndrome type 1F (USH1F). Also called: USHER SYNDROME, TYPE IF. Identifiers: Orphanet 231169, Orphanet 886, MedGen C1865885, MONDO:0011186, OMIM 602083.

Allele frequency attached by ClinVar (database versions not stated): gnomAD 0.00001; TOPMed 0.00001; ESP Exome Variant Server 0.00015.
gnomAD v4.1: 16 of 1,613,942 alleles (0.00099%); highest among the groups gnomAD compares: South Asian, 0.0055%; no homozygotes.

Submissions (3):

Labcorp Genetics (formerly Invitae), Labcorp
Classification: Uncertain significance. Last evaluated: 2022-07-06. Review status: criteria provided, single submitter. Criteria: Invitae Variant Classification Sherloc (09022015). Collection method: clinical testing. Allele origin: germline.
Comment: This sequence change replaces arginine, which is basic and polar, with cysteine, which is neutral and slightly polar, at codon 615 of the PCDH15 protein (p.Arg615Cys). This variant is present in population databases (rs139104747, gnomAD 0.003%). This variant has not been reported in the literature in individuals affected with PCDH15-related conditions. ClinVar contains an entry for this variant (Variation ID: 1209589). Algorithms developed to predict the effect of missense changes on protein structure and function are either unavailable or do not agree on the potential impact of this missense change (SIFT: "Deleterious"; PolyPhen-2: "Probably Damaging"; Align-GVGD: "Class C0"). In summary, the available evidence is currently insufficient to determine the role of this variant in disease. Therefore, it has been classified as a Variant of Uncertain Significance.

Genome-Nilou Lab
Classification: Uncertain significance for Autosomal recessive nonsyndromic hearing loss 23. Last evaluated: 2021-07-14. Review status: criteria provided, single submitter. Criteria: ACMG Guidelines, 2015. Collection method: clinical testing. Allele origin: germline. Affected: no.

Genome-Nilou Lab
Classification: Uncertain significance for Usher syndrome type 1F. Last evaluated: 2021-07-14. Review status: criteria provided, single submitter. Criteria: ACMG Guidelines, 2015. Collection method: clinical testing. Allele origin: germline. Affected: no.